The following is an entry in ClinVar:

ClinVar aggregate classification (germline): Uncertain significance. Review status: criteria provided, multiple submitters, no conflicts (2 of 4 stars). 3 submissions from 3 submitters: Uncertain significance (3). Last evaluated 2025-09-22.

Conditions:
Inborn genetic diseases. Identifiers: MedGen C0950123, MeSH D030342.
Hypotonia, infantile, with psychomotor retardation and characteristic facies 2 (IHPRF2). Also called: UNC80 Deficiency. Identifiers: Orphanet 371364, Orphanet 700333, MedGen C4225203, MONDO:0014777, OMIM 616801.

Allele frequency attached by ClinVar (database versions not stated): gnomAD exomes 0.00001 and 0.00003; TOPMed 0.00001; gnomAD 0.00001.
gnomAD v4.1: 40 of 1,545,972 alleles (0.0026%); highest among the groups gnomAD compares: Middle Eastern, 0.15%; no homozygotes.

Submissions (3):

Ambry Genetics
Classification: Uncertain significance for Inborn genetic diseases. Last evaluated: 2025-09-22. Review status: criteria provided, single submitter. Criteria: Ambry Variant Classification Scheme 2023. Collection method: clinical testing. Allele origin: germline.

Labcorp Genetics (formerly Invitae), Labcorp
Classification: Uncertain significance. Last evaluated: 2022-10-17. Review status: criteria provided, single submitter. Criteria: Invitae Variant Classification Sherloc (09022015). Collection method: clinical testing. Allele origin: germline.
Comment: In summary, the available evidence is currently insufficient to determine the role of this variant in disease. Therefore, it has been classified as a Variant of Uncertain Significance. Algorithms developed to predict the effect of missense changes on protein structure and function are either unavailable or do not agree on the potential impact of this missense change (SIFT: "Not Available"; PolyPhen-2: "Probably Damaging"; Align-GVGD: "Not Available"). ClinVar contains an entry for this variant (Variation ID: 1446832). This variant has not been reported in the literature in individuals affected with UNC80-related conditions. This variant is present in population databases (no rsID available, gnomAD 0.006%). This sequence change replaces aspartic acid, which is acidic and polar, with asparagine, which is neutral and polar, at codon 1308 of the UNC80 protein (p.Asp1308Asn).

Revvity Omics, Revvity
Classification: Uncertain significance for Hypotonia, infantile, with psychomotor retardation and characteristic facies 2. Last evaluated: 2021-08-30. Review status: criteria provided, single submitter. Criteria: ACMG Guidelines, 2015. Collection method: clinical testing. Allele origin: germline.

NM_001371986.1(UNC80):c.3916G>A (p.Asp1306Asn)

Gene: UNC80 (unc-80 subunit of NALCN channel complex; plus strand). Cytogenetic location: 2q34.
Variant type: single nucleotide variant.
Coding change: c.3916G>A on transcript NM_001371986.1 (MANE Select); coding-DNA position 3916, G replaced by A.
Protein change: p.Asp1306Asn; replaces aspartic acid 1306 with asparagine.
Molecular consequence: missense variant.
Genome position (GRCh38, 1-based): chr2:209,878,029, G>A. VCF-style: chr2-209878029-G-A. GRCh37 (hg19) VCF-style: chr2-210742753-G-A.
Other names: c.3922G>A, p.Asp1308Asn (NM_032504.2); c.3907G>A, p.Asp1303Asn (NM_182587.4); c.3922G>A (NM_032504.1); short protein forms D1303N, D1306N, D1308N.
Identifiers: ClinVar variation 1446832 (VCV001446832.7), dbSNP rs899960452, ClinGen allele CA65035940.